The following is an entry in ClinVar:

NM_024306.5(FA2H):c.166del (p.Gln56fs)

Genes: FA2H (fatty acid 2-hydroxylase; minus strand), LOC130059394 (ATAC-STARR-seq lymphoblastoid silent region 7701; plus strand). Cytogenetic location: 16q23.1.
Variant type: Deletion.
Coding change: c.166del on transcript NM_024306.5 (MANE Select); coding-DNA position 166, one base deleted (C; older notation c.166delC).
Protein change: p.Gln56fs; shifts the reading frame from glutamine 56.
Molecular consequence: frameshift variant.
Genome position (GRCh38, 1-based): chr16:74,774,590, G deleted on the plus strand (C on the coding strand, the reverse complement: FA2H is on the minus strand); the first of 2 consecutive G bases (chr16:74,774,590-74,774,591); deleting either gives the same sequence. VCF-style (leftmost placement, unchanged base first): chr16-74774589-TG-T. GRCh37 (hg19) VCF-style: chr16-74808487-TG-T.
Other names: short protein forms Q56fs.
Identifiers: ClinVar variation 969910 (VCV000969910.8), dbSNP rs1962974502, ClinGen allele CA1139664822.

ClinVar aggregate classification (germline): Pathogenic (1 of 4 stars; one submission).

Conditions:
Spastic paraplegia. Identifiers: MedGen C0037772, HP:0001258.

Submission:

Labcorp Genetics (formerly Invitae), Labcorp
Classification: Pathogenic for Spastic paraplegia. Last evaluated: 2019-11-14. Review status: criteria provided, single submitter. Criteria: Invitae Variant Classification Sherloc (09022015). Collection method: clinical testing. Allele origin: germline.
Comment: This variant has not been reported in the literature in individuals with FA2H-related conditions. The frequency data for this variant in the population databases is considered unreliable, as metrics indicate insufficient coverage at this position in the ExAC database. This sequence change creates a premature translational stop signal (p.Gln56Argfs*43) in the FA2H gene. It is expected to result in an absent or disrupted protein product. For these reasons, this variant has been classified as Pathogenic. Loss-of-function variants in FA2H are known to be pathogenic (PMID: 20853438, 25496456, 25732363, 26344562).

Literature cited by the submitters: PubMed 20853438; PubMed 25496456; PubMed 25732363; PubMed 26344562.